The following is an entry in ClinVar:

ClinVar aggregate classification (germline): Conflicting classifications of pathogenicity. Review status: criteria provided, conflicting classifications (1 of 4 stars). 3 submissions from 3 submitters: Uncertain significance (2); Likely benign (1). Last evaluated 2025-06-17.

Conditions:
Hereditary cancer-predisposing syndrome. Also called: Hereditary Cancer Syndrome; Tumor predisposition; Hereditary neoplastic syndrome; Neoplastic Syndromes, Hereditary. Identifiers: Orphanet 140162, MedGen C0027672, MeSH D009386, MONDO:0015356.
Familial melanoma. Also called: Hereditary melanoma; Hereditary cutaneous melanoma. Identifiers: Orphanet 618, MedGen C1512419, MONDO:0018961.

Submissions (3):

Ambry Genetics
Classification: Likely benign for Hereditary cancer-predisposing syndrome. Last evaluated: 2025-06-17. Review status: criteria provided, single submitter. Criteria: Ambry Variant Classification Scheme 2023. Collection method: clinical testing. Allele origin: germline.

Labcorp Genetics (formerly Invitae), Labcorp
Classification: Uncertain significance for Familial melanoma. Last evaluated: 2024-05-06. Review status: criteria provided, single submitter. Criteria: Invitae Variant Classification Sherloc (09022015). Collection method: clinical testing. Allele origin: germline.
Comment: This sequence change replaces alanine, which is neutral and non-polar, with valine, which is neutral and non-polar, at codon 4 of the CDKN2A (p16INK4a) protein (p.Ala4Val). This variant is not present in population databases (gnomAD no frequency). This variant has not been reported in the literature in individuals affected with CDKN2A (p16INK4a)-related conditions. ClinVar contains an entry for this variant (Variation ID: 1058585). An algorithm developed to predict the effect of missense changes on protein structure and function (PolyPhen-2) suggests that this variant is likely to be tolerated. In summary, the available evidence is currently insufficient to determine the role of this variant in disease. Therefore, it has been classified as a Variant of Uncertain Significance.

Color Diagnostics, LLC DBA Color Health
Classification: Uncertain significance for Hereditary cancer-predisposing syndrome. Last evaluated: 2023-04-11. Review status: criteria provided, single submitter. Criteria: ACMG Guidelines, 2015. Collection method: clinical testing. Allele origin: germline.
Comment: The CDKN2A locus encodes two different gene products, p16INK4a and p14ARF. This missense variant replaces alanine with valine at codon 4 of the CDKN2A (p16INK4A) protein. Computational prediction suggests that this variant may not impact protein structure and function (internally defined REVEL score threshold <= 0.5, PMID: 27666373). To our knowledge, functional studies have not been reported for this variant. This variant has not been reported in individuals affected with CDKN2A-related disorders in the literature. This variant has not been identified in the general population by the Genome Aggregation Database (gnomAD). The available evidence is insufficient to determine the role of this variant in disease conclusively. Therefore, this variant is classified as a Variant of Uncertain Significance.

NM_000077.5(CDKN2A):c.11C>T (p.Ala4Val)

Genes: CDKN2A (cyclin dependent kinase inhibitor 2A; minus strand), LOC130001603 (ATAC-STARR-seq lymphoblastoid silent region 19811; plus strand). Cytogenetic location: 9p21.3.
Variant type: single nucleotide variant.
Coding change: c.11C>T on transcript NM_000077.5; coding-DNA position 11, C replaced by T.
Protein change: p.Ala4Val; replaces alanine 4 with valine.
Molecular consequence: missense variant (on NM_000077.6). On other transcripts: intron variant (2).
Genome position (GRCh38, 1-based): chr9:21,974,817, G>A on the plus strand (C>T on the coding strand, the complement: CDKN2A is on the minus strand). VCF-style: chr9-21974817-G-A. GRCh37 (hg19) VCF-style: chr9-21974816-G-A.
Other names: c.11C>T, p.Ala4Val (NM_000077.6, NM_001195132.2, NM_058197.5); c.-3-3609C>T (NM_001363763.2); c.194-3609C>T (NM_058195.4); short protein forms A4V.
Identifiers: ClinVar variation 1058585 (VCV001058585.12), dbSNP rs1277299943, ClinGen allele CA373086723.